The following is an entry in ClinVar:

ClinVar aggregate classification (germline): Uncertain significance. Review status: criteria provided, multiple submitters, no conflicts (2 of 4 stars). 3 submissions from 3 submitters: Uncertain significance (3). Last evaluated 2025-06-25.

Conditions:
Inborn genetic diseases. Identifiers: MedGen C0950123, MeSH D030342.

Allele frequency attached by ClinVar (database versions not stated): ExAC 0.00001.
gnomAD v4.1: 3 of 1,613,888 alleles (0.00019%); highest among the groups gnomAD compares: Non-Finnish European, 0.00017%; no homozygotes.

Submissions (3):

Ambry Genetics
Classification: Uncertain significance for Inborn genetic diseases. Last evaluated: 2025-06-25. Review status: criteria provided, single submitter. Criteria: Ambry Variant Classification Scheme 2023. Collection method: clinical testing. Allele origin: germline.

GeneDx
Classification: Uncertain significance. Last evaluated: 2023-06-20. Review status: criteria provided, single submitter. Criteria: GeneDx Variant Classification Process June 2021. Collection method: clinical testing. Allele origin: germline. Affected: yes.
Comment: Not observed at a significant frequency in large population cohorts (gnomAD); In silico analysis supports that this missense variant does not alter protein structure/function; Has not been previously published as pathogenic or benign to our knowledge

Labcorp Genetics (formerly Invitae), Labcorp
Classification: Uncertain significance. Last evaluated: 2022-07-19. Review status: criteria provided, single submitter. Criteria: Invitae Variant Classification Sherloc (09022015). Collection method: clinical testing. Allele origin: germline.
Comment: In summary, the available evidence is currently insufficient to determine the role of this variant in disease. Therefore, it has been classified as a Variant of Uncertain Significance. Algorithms developed to predict the effect of missense changes on protein structure and function (SIFT, PolyPhen-2, Align-GVGD) all suggest that this variant is likely to be tolerated. ClinVar contains an entry for this variant (Variation ID: 1309497). This variant has not been reported in the literature in individuals affected with ELOVL4-related conditions. This variant is present in population databases (rs753592451, gnomAD 0.0009%). This sequence change replaces leucine, which is neutral and non-polar, with valine, which is neutral and non-polar, at codon 77 of the ELOVL4 protein (p.Leu77Val).

NM_022726.4(ELOVL4):c.229C>G (p.Leu77Val)

Gene: ELOVL4 (ELOVL fatty acid elongase 4; minus strand). Cytogenetic location: 6q14.1.
Variant type: single nucleotide variant.
Coding change: c.229C>G on transcript NM_022726.4 (MANE Select); coding-DNA position 229, C replaced by G.
Protein change: p.Leu77Val; replaces leucine 77 with valine.
Molecular consequence: missense variant.
Genome position (GRCh38, 1-based): chr6:79,926,253, G>C on the plus strand (C>G on the coding strand, the complement: ELOVL4 is on the minus strand). VCF-style: chr6-79926253-G-C. GRCh37 (hg19) VCF-style: chr6-80635970-G-C.
Other names: short protein forms L77V.
Identifiers: ClinVar variation 1309497 (VCV001309497.8), dbSNP rs753592451, ClinGen allele CA3901589.